The following is an entry in ClinVar:

NC_000002.11:g.(170034537_170037957)_(170072941_170076963)del

Gene: LRP2 (LDL receptor related protein 2; minus strand). Cytogenetic location: 2q31.1.
Variant type: Deletion.
Identifiers: ClinVar variation 1677113 (VCV001677113.1).

ClinVar aggregate classification (germline): Likely pathogenic (1 of 4 stars; one submission).

Conditions:
Donnai-Barrow syndrome. Also called: DBS/FOAR SYNDROME; FACIOOCULOACOUSTICORENAL SYNDROME. Identifiers: Orphanet 2143, MedGen C1857277, MONDO:0009104, OMIM 222448.

Submission:

Women's Health and Genetics/Laboratory Corporation of America, LabCorp
Classification: Likely pathogenic for Donnai-Barrow syndrome. Last evaluated: 2022-03-15. Review status: criteria provided, single submitter. Criteria: LabCorp Variant Classification Summary - May 2015. Collection method: clinical testing. Allele origin: germline.
Comment: Variant summary: The variant identified by MLPA or other technology involves the deletion of exons 35-52 in the LRP2 gene. A presumed nomenclature of c.(5648+1_5649-1)_(10169+1_10170-1)del has been designated for the purposes of this classification. Although exact breakpoints of this deletion are not known, it is expected to result in a large in-frame deletion change in the LRP2 gene, a known mechanism of disease. The frequency of this variant in the general population could not be determined as the technology used for large population databases (ExAC, gnomAD, ESP, 1000G) cannot detect variants of this type. To our knowledge, no occurrence of c.(5648+1_5649-1)_(10169+1_10170-1)del in individuals affected with Donnai Barrow Syndrome and no experimental evidence demonstrating its impact on protein function have been reported. No clinical diagnostic laboratories have submitted clinical-significance assessments for this variant to ClinVar after 2014. Based on the evidence outlined above, the variant was classified as likely pathogenic.